The following is an entry in ClinVar:

ClinVar aggregate classification (germline): Likely benign (1 of 4 stars; one submission).

Conditions:
ARL2-related condition.

gnomAD v4.1: 341 of 1,609,304 alleles (0.021%); highest among the groups gnomAD compares: African/African-American, 0.35%; 1 homozygote.

Submission:

PreventionGenetics, part of Exact Sciences
Classification: Likely benign for ARL2-related condition. Last evaluated: 2026-08-05. Review status: criteria provided, single submitter. Criteria: ACMG Guidelines, 2015. Collection method: clinical testing. Allele origin: germline.
Comment: This variant is classified as likely benign based on ACMG/AMP sequence variant interpretation guidelines (Richards et al. 2015 PMID: 25741868, with internal and published modifications).

NM_001667.4(ARL2):c.415C>T (p.Arg139Cys)

Genes: ARL2 (ARF like GTPase 2; plus strand), ARL2-SNX15 (ARL2-SNX15 readthrough (NMD candidate); plus strand). Cytogenetic location: 11q13.1.
Variant type: single nucleotide variant.
Coding change: c.415C>T on transcript NM_001667.4 (MANE Select); coding-DNA position 415, C replaced by T.
Protein change: p.Arg139Cys; replaces arginine 139 with cysteine.
Molecular consequence: missense variant. On other transcripts: intron variant (1).
Genome position (GRCh38, 1-based): chr11:65,020,494, C>T. VCF-style: chr11-65020494-C-T. GRCh37 (hg19) VCF-style: chr11-64787966-C-T.
Other names: c.340-1227C>T (NM_001199745.2); short protein forms R139C.
Identifiers: ClinVar variation 4980261 (VCV004980261.1).
Genomic context (GRCh38, chr11:65,020,494, plus strand): 5'-ACCCTCCTCATCTTTGCTAATAAGCAGGACCTGCCTGGAGCACTGTCCTCTAACGCCATC[C>T]GCGAGGTGAGTCCAGGCCCCGGGACAGGCTCGCTGAGGGAAAGGGGCATACATTTATTTA-3'
Protein context (NP_001658.2, residues 129-149): LPGALSSNAI[Arg139Cys]EVLELDSIRS